The following is an entry in ClinVar:

NM_053025.4(MYLK):c.1258C>T (p.Pro420Ser)

Gene: MYLK (myosin light chain kinase; minus strand). Cytogenetic location: 3q21.1.
Variant type: single nucleotide variant.
Coding change: c.1258C>T on transcript NM_053025.4 (MANE Select); coding-DNA position 1258, C replaced by T.
Protein change: p.Pro420Ser; replaces proline 420 with serine.
Molecular consequence: missense variant.
Genome position (GRCh38, 1-based): chr3:123,733,738, G>A on the plus strand (C>T on the coding strand, the complement: MYLK is on the minus strand). VCF-style: chr3-123733738-G-A. GRCh37 (hg19) VCF-style: chr3-123452585-G-A.
Other names: c.730C>T, p.Pro244Ser (NM_001321309.2); c.1258C>T, p.Pro420Ser (NM_053026.4, NM_053027.4, NM_053028.4); short protein forms P244S, P420S.
Identifiers: ClinVar variation 1810446 (VCV001810446.1), dbSNP rs2474560433, ClinGen allele CA354238904.
Genomic context (GRCh38, chr3:123,733,738, plus strand): 5'-TCTACTCACCTTCACATCTGAACTTGACAGTTTGATTTTCCTTGACCTCCTGGCTTTGGG[G>A]CTTGCTCTCAAATTTGGGGAATGCTGAATCCCTCTGGCCCTCCATGGGGATTCTCCTGTT-3'
Protein context (NP_444253.3, residues 410-430): DSAFPKFESK[Pro420Ser]QSQEVKENQT

ClinVar aggregate classification (germline): Uncertain significance (1 of 4 stars; one submission).

Allele frequency attached by ClinVar (database versions not stated): gnomAD exomes below 0.00001.
gnomAD v4.1: 3 of 1,614,186 alleles (0.00019%); highest among the groups gnomAD compares: Non-Finnish European, 0.00025%; no homozygotes.

Submission:

GeneDx
Classification: Uncertain significance. Last evaluated: 2022-07-06. Review status: criteria provided, single submitter. Criteria: GeneDx Variant Classification Process June 2021. Collection method: clinical testing. Allele origin: germline. Affected: yes.
Comment: Not observed at significant frequency in large population cohorts (gnomAD); In silico analysis supports that this missense variant has a deleterious effect on protein structure/function; Has not been previously published as pathogenic or benign to our knowledge